The following is an entry in ClinVar:

ClinVar aggregate classification (germline): Uncertain significance (1 of 4 stars; one submission).

gnomAD v4.1: 9 of 1,604,996 alleles (0.00056%); highest among the groups gnomAD compares: Non-Finnish European, 0.00068%; no homozygotes.

Submission:

Labcorp Genetics (formerly Invitae), Labcorp
Classification: Uncertain significance. Last evaluated: 2025-06-03. Review status: criteria provided, single submitter. Criteria: Invitae Variant Classification Sherloc (09022015). Collection method: clinical testing. Allele origin: germline.
Comment: This sequence change replaces alanine, which is neutral and non-polar, with glycine, which is neutral and non-polar, at codon 393 of the GATA5 protein (p.Ala393Gly). This variant is present in population databases (no rsID available, gnomAD 0.0009%). This variant has not been reported in the literature in individuals affected with GATA5-related conditions. An algorithm developed to predict the effect of missense changes on protein structure and function (PolyPhen-2) suggests that this variant is likely to be disruptive. In summary, the available evidence is currently insufficient to determine the role of this variant in disease. Therefore, it has been classified as a Variant of Uncertain Significance.

NM_080473.5(GATA5):c.1178C>G (p.Ala393Gly)

Gene: GATA5 (GATA binding protein 5; minus strand). Cytogenetic location: 20q13.33.
Variant type: single nucleotide variant.
Coding change: c.1178C>G on transcript NM_080473.5 (MANE Select); coding-DNA position 1178, C replaced by G.
Protein change: p.Ala393Gly; replaces alanine 393 with glycine.
Molecular consequence: missense variant.
Genome position (GRCh38, 1-based): chr20:62,464,852, G>C on the plus strand (C>G on the coding strand, the complement: GATA5 is on the minus strand). VCF-style: chr20-62464852-G-C. GRCh37 (hg19) VCF-style: chr20-61039908-G-C.
Other names: short protein forms A393G.
Identifiers: ClinVar variation 4703517 (VCV004703517.1).